The following is an entry in ClinVar:

NM_000256.3(MYBPC3):c.1981del (p.Val661fs)

Gene: MYBPC3 (myosin binding protein C3; minus strand). Cytogenetic location: 11p11.2.
Variant type: Deletion.
Coding change: c.1981del on transcript NM_000256.3 (MANE Select); coding-DNA position 1981, one base deleted (G; older notation c.1981delG).
Protein change: p.Val661fs; shifts the reading frame from valine 661.
Molecular consequence: frameshift variant.
Genome position (GRCh38, 1-based): chr11:47,339,737, C deleted on the plus strand (G on the coding strand, the reverse complement: MYBPC3 is on the minus strand); the first of 2 consecutive C bases (chr11:47,339,737-47,339,738); deleting either gives the same sequence. VCF-style (leftmost placement, unchanged base first): chr11-47339736-AC-A. GRCh37 (hg19) VCF-style: chr11-47361287-AC-A.
Other names: c.1981delG (NM_000256.3); short protein forms V661fs.
Identifiers: ClinVar variation 3876133 (VCV003876133.1).

ClinVar aggregate classification (germline): Pathogenic (1 of 4 stars; one submission).

Conditions:
Cardiovascular phenotype. Identifiers: MedGen CN230736.

Submission:

Ambry Genetics
Classification: Pathogenic for Cardiovascular phenotype. Last evaluated: 2025-01-03. Review status: criteria provided, single submitter. Criteria: Ambry Variant Classification Scheme 2023. Collection method: clinical testing. Allele origin: germline.
Comment: The c.1981delG pathogenic mutation, located in coding exon 21 of the MYBPC3 gene, results from a deletion of one nucleotide at nucleotide position 1981, causing a translational frameshift with a predicted alternate stop codon (p.V661Lfs*2). This variant is considered to be rare based on population cohorts in the Genome Aggregation Database (gnomAD). This alteration is expected to result in loss of function by premature protein truncation or nonsense-mediated mRNA decay. As such, this alteration is interpreted as a disease-causing mutation.